The following is an entry in ClinVar:

ClinVar aggregate classification (germline): Uncertain significance (1 of 4 stars; one submission).

Allele frequency attached by ClinVar (database versions not stated): gnomAD exomes below 0.00001; TOPMed below 0.00001.
gnomAD v4.1: 1 of 1,611,228 alleles (0.000062%); highest among the groups gnomAD compares: Non-Finnish European, 0.000085%; no homozygotes.

Submission:

Labcorp Genetics (formerly Invitae), Labcorp
Classification: Uncertain significance. Last evaluated: 2020-11-04. Review status: criteria provided, single submitter. Criteria: Invitae Variant Classification Sherloc (09022015). Collection method: clinical testing. Allele origin: germline.
Comment: In summary, the available evidence is currently insufficient to determine the role of this variant in disease. Therefore, it has been classified as a Variant of Uncertain Significance. Algorithms developed to predict the effect of missense changes on protein structure and function (SIFT, PolyPhen-2, Align-GVGD) all suggest that this variant is likely to be disruptive, but these predictions have not been confirmed by published functional studies and their clinical significance is uncertain. This variant has not been reported in the literature in individuals with OTULIN-related conditions. This variant is not present in population databases (ExAC no frequency). This sequence change replaces tyrosine with cysteine at codon 110 of the OTULIN protein (p.Tyr110Cys). The tyrosine residue is highly conserved and there is a large physicochemical difference between tyrosine and cysteine.

NM_138348.6(OTULIN):c.329A>G (p.Tyr110Cys)

Gene: OTULIN (OTU deubiquitinase with linear linkage specificity; plus strand). Cytogenetic location: 5p15.2.
Variant type: single nucleotide variant.
Coding change: c.329A>G on transcript NM_138348.6 (MANE Select); coding-DNA position 329, A replaced by G.
Protein change: p.Tyr110Cys; replaces tyrosine 110 with cysteine.
Molecular consequence: missense variant.
Genome position (GRCh38, 1-based): chr5:14,681,468, A>G. VCF-style: chr5-14681468-A-G. GRCh37 (hg19) VCF-style: chr5-14681577-A-G.
Other names: short protein forms Y110C.
Identifiers: ClinVar variation 1525210 (VCV001525210.8), dbSNP rs1736247862, ClinGen allele CA359242813.
Genomic context (GRCh38, chr5:14,681,468, plus strand): 5'-CTCTGCTATCTCAAGTCAGTAACGACCATTTTGAATTCTTTCATACCTTTTCCCAGGGCT[A>G]TGAAGAGGTTTCTCAGAAGTTCACCTCCATACGGCGAGTCCGTGGTGATAATTACTGTGC-3'
Protein context (NP_612357.4, residues 100-120): TQKATCMKMG[Tyr110Cys]EEVSQKFTSI